The following is an entry in ClinVar:

ClinVar aggregate classification (germline): Likely benign. Review status: criteria provided, multiple submitters, no conflicts (2 of 4 stars). 5 submissions from 5 submitters: Likely benign (4). 1 of the submissions does not count toward it. Last evaluated 2026-01-25.

Conditions:
Kabuki syndrome. Also called: NIIKAWA-KUROKI SYNDROME; Kabuki make-up syndrome. Identifiers: Orphanet 2322, MedGen C0796004, MONDO:0016512.
KMT2D-related disorder. Also called: KMT2D-Related Disorders.

Allele frequency attached by ClinVar (database versions not stated): ExAC 0.00016; ESP Exome Variant Server 0.00016; gnomAD 0.00022; TOPMed 0.00024.
gnomAD v4.1: 422 of 1,613,878 alleles (0.026%); highest among the groups gnomAD compares: Non-Finnish European, 0.033%; no homozygotes.

Submissions (6):

Labcorp Genetics (formerly Invitae), Labcorp
Classification: Likely benign for Kabuki syndrome. Last evaluated: 2026-01-25. Review status: criteria provided, single submitter. Criteria: Invitae Variant Classification Sherloc (09022015). Collection method: clinical testing. Allele origin: germline.

CeGaT Center for Human Genetics Tuebingen
Classification: Likely benign. Last evaluated: 2025-10-01. Review status: criteria provided, single submitter. Criteria: CeGaT Center For Human Genetics Tuebingen Variant Classification Criteria Version 2. Collection method: clinical testing. Allele origin: germline. Affected: yes. Observed: 3 variant alleles.
Comment: KMT2D: BP4, BP7

Blueprint Genetics
Classification: Likely benign. Last evaluated: 2024-11-25. Review status: criteria provided, single submitter. Criteria: ACMG Guidelines, 2015. Collection method: clinical testing. Allele origin: germline.

GeneDx
Classification: Likely benign. Last evaluated: 2020-06-04. Review status: criteria provided, single submitter. Criteria: GeneDx Variant Classification Process June 2021. Collection method: clinical testing. Allele origin: germline. Affected: yes.

PreventionGenetics, part of Exact Sciences
Classification: Likely benign for KMT2D-related condition. Last evaluated: 2019-09-26. Review status: no assertion criteria provided. Collection method: clinical testing. Allele origin: germline. Not counted in ClinVar's aggregate classification.
Comment: This variant is classified as likely benign based on ACMG/AMP sequence variant interpretation guidelines (Richards et al. 2015 PMID: 25741868, with internal and published modifications).

Dr. Peter K. Rogan Lab, Western University
No classification provided (evidence only). Condition: Colon adenocarcinoma. Review status: no classification provided. Collection method: in vitro. Allele origin: not applicable. Functional consequence: retained intron. Not counted in ClinVar's aggregate classification.

NM_003482.4(KMT2D):c.879G>A (p.Thr293=)

Gene: KMT2D (lysine methyltransferase 2D; minus strand). Cytogenetic location: 12q13.12.
Variant type: single nucleotide variant.
Coding change: c.879G>A on transcript NM_003482.4 (MANE Select); coding-DNA position 879, G replaced by A.
Protein change: p.Thr293=; no amino-acid change (threonine 293 retained).
Molecular consequence: synonymous variant.
Genome position (GRCh38, 1-based): chr12:49,053,282, C>T on the plus strand (G>A on the coding strand, the complement: KMT2D is on the minus strand). VCF-style: chr12-49053282-C-T. GRCh37 (hg19) VCF-style: chr12-49447065-C-T.
Identifiers: ClinVar variation 772435 (VCV000772435.40), dbSNP rs372915490, ClinGen allele CA6548631.